The following is an entry in ClinVar:

ClinVar aggregate classification (germline): Uncertain significance. Review status: criteria provided, single submitter (1 of 4 stars). 2 submissions from 2 submitters: Uncertain significance (1). 1 of the submissions does not count toward it. Last evaluated 2022-10-05.

Conditions:
Holocarboxylase synthetase deficiency. Also called: MULTIPLE CARBOXYLASE DEFICIENCY, EARLY ONSET. Identifiers: Orphanet 79242, MedGen C0268581, MONDO:0009666, OMIM 253270.

Allele frequency attached by ClinVar (database versions not stated): ExAC 0.00001; gnomAD 0.00001; gnomAD exomes 0.00001 and 0.00002; TOPMed 0.00001.
gnomAD v4.1: 8 of 1,614,118 alleles (0.0005%); highest among the groups gnomAD compares: Admixed American, 0.012%; no homozygotes.

Submissions (2):

Labcorp Genetics (formerly Invitae), Labcorp
Classification: Uncertain significance for Holocarboxylase synthetase deficiency. Last evaluated: 2022-10-05. Review status: criteria provided, single submitter. Criteria: Invitae Variant Classification Sherloc (09022015). Collection method: clinical testing. Allele origin: germline.
Comment: This sequence change replaces glutamic acid, which is acidic and polar, with lysine, which is basic and polar, at codon 310 of the HLCS protein (p.Glu310Lys). This variant is present in population databases (rs763927037, gnomAD 0.02%). This missense change has been observed in individual(s) with holocarboxylase synthetase deficiency (PMID: 19806568). ClinVar contains an entry for this variant (Variation ID: 1063891). Advanced modeling of protein sequence and biophysical properties (such as structural, functional, and spatial information, amino acid conservation, physicochemical variation, residue mobility, and thermodynamic stability) performed at Invitae indicates that this missense variant is not expected to disrupt HLCS protein function. In summary, the available evidence is currently insufficient to determine the role of this variant in disease. Therefore, it has been classified as a Variant of Uncertain Significance.

Natera, Inc.
Classification: Uncertain significance for Holocarboxylase synthetase deficiency. Last evaluated: 2020-02-13. Review status: no assertion criteria provided. Collection method: clinical testing. Allele origin: germline. Not counted in ClinVar's aggregate classification.

Literature cited by the submitters: PubMed 19806568 (cited by Labcorp Genetics (formerly Invitae), Labcorp).

NM_001352514.2(HLCS):c.1369G>A (p.Glu457Lys)

Gene: HLCS (holocarboxylase synthetase; minus strand). Cytogenetic location: 21q22.13.
Variant type: single nucleotide variant.
Coding change: c.1369G>A on transcript NM_001352514.2 (MANE Select); coding-DNA position 1369, G replaced by A.
Protein change: p.Glu457Lys; replaces glutamic acid 457 with lysine.
Molecular consequence: missense variant. On other transcripts: non-coding transcript variant (2).
Genome position (GRCh38, 1-based): chr21:36,936,517, C>T on the plus strand (G>A on the coding strand, the complement: HLCS is on the minus strand). VCF-style: chr21-36936517-C-T. GRCh37 (hg19) VCF-style: chr21-38308817-C-T.
Other names: c.928G>A, p.Glu310Lys (NM_000411.8, NM_001242784.3, NM_001242785.2 and 4 more transcripts); short protein forms E310K, E457K.
Identifiers: ClinVar variation 1063891 (VCV001063891.6), dbSNP rs763927037, ClinGen allele CA10020587.